The following is an entry in ClinVar:

NM_000179.3(MSH6):c.2023_2027del (p.Glu675fs)

Gene: MSH6 (mutS homolog 6; plus strand). Cytogenetic location: 2p16.3.
Variant type: Deletion.
Coding change: c.2023_2027del on transcript NM_000179.3 (MANE Select); coding-DNA positions 2023 to 2027, 5 bases deleted (GAGAA; older notation c.2023_2027delGAGAA).
Protein change: p.Glu675fs; shifts the reading frame from glutamic acid 675.
Molecular consequence: frameshift variant. On other transcripts: non-coding transcript variant (5), intron variant (2).
Genome position (GRCh38, 1-based): chr2:47,800,006-47,800,010, GAGAA deleted; deleting any 5 consecutive bases within chr2:47,800,005-47,800,010 gives the same sequence; the c. name uses the placement nearest the transcript's 3' end. VCF-style (leftmost placement, unchanged base first): chr2-47800004-GAGAGA-G. GRCh37 (hg19) VCF-style: chr2-48027143-GAGAGA-G.
Other names: c.1633_1637del, p.Glu545fs (NM_001281492.2); c.1117_1121del, p.Glu373fs (NM_001281493.2, NM_001281494.2, NM_001406811.1 and 6 more transcripts); c.2119_2123del, p.Glu707fs (NM_001406795.1, NM_001406802.1); c.2023_2027del, p.Glu675fs (NM_001406796.1, NM_001406798.1, NM_001406800.1 and 3 more transcripts); c.1726_1730del, p.Glu576fs (NM_001406797.1, NM_001406801.1, NM_001406805.1 and 10 more transcripts); c.1498_1502del, p.Glu500fs (NM_001406799.1, NM_001406806.1, NM_001406807.1); c.1945_1949del, p.Glu649fs (NM_001406804.1); c.2029_2033del, p.Glu677fs (NM_001406813.1); and 3 more; short protein forms E373fs, E545fs, E576fs, E677fs, E707fs, E500fs, E619fs, E675fs.
Identifiers: ClinVar variation 3398903 (VCV003398903.3).

ClinVar aggregate classification (germline): Pathogenic. Review status: criteria provided, multiple submitters, no conflicts (2 of 4 stars). 2 submissions from 2 submitters: Pathogenic (2). Last evaluated 2024-09-04.

Conditions:
Hereditary nonpolyposis colorectal neoplasms. Identifiers: MedGen C0009405, MeSH D003123.
Hereditary cancer-predisposing syndrome. Also called: Hereditary Cancer Syndrome; Tumor predisposition; Hereditary neoplastic syndrome; Neoplastic Syndromes, Hereditary. Identifiers: Orphanet 140162, MedGen C0027672, MeSH D009386, MONDO:0015356.

Submissions (2):

Labcorp Genetics (formerly Invitae), Labcorp
Classification: Pathogenic for Hereditary nonpolyposis colorectal neoplasms. Last evaluated: 2024-09-04. Review status: criteria provided, single submitter. Criteria: Invitae Variant Classification Sherloc (09022015). Collection method: clinical testing. Allele origin: germline.
Comment: This sequence change creates a premature translational stop signal (p.Glu675Lysfs*2) in the MSH6 gene. It is expected to result in an absent or disrupted protein product. Loss-of-function variants in MSH6 are known to be pathogenic (PMID: 18269114, 24362816). This variant is not present in population databases (gnomAD no frequency). This variant has not been reported in the literature in individuals affected with MSH6-related conditions. Algorithms developed to predict the effect of sequence changes on RNA splicing suggest that this variant may create or strengthen a splice site. For these reasons, this variant has been classified as Pathogenic.

Ambry Genetics
Classification: Pathogenic for Hereditary cancer-predisposing syndrome. Last evaluated: 2024-08-27. Review status: criteria provided, single submitter. Criteria: Ambry Variant Classification Scheme 2023. Collection method: clinical testing. Allele origin: germline.
Comment: The c.2023_2027delGAGAA pathogenic mutation, located in coding exon 4 of the MSH6 gene, results from a deletion of 5 nucleotides at nucleotide positions 2023 to 2027, causing a translational frameshift with a predicted alternate stop codon (p.E675Kfs*2). This variant is considered to be rare based on population cohorts in the Genome Aggregation Database (gnomAD). This alteration is expected to result in loss of function by premature protein truncation or nonsense-mediated mRNA decay. As such, this alteration is interpreted as a disease-causing mutation.

Literature cited by the submitters: PubMed 18269114 (cited by Labcorp Genetics (formerly Invitae), Labcorp); PubMed 24362816 (cited by Labcorp Genetics (formerly Invitae), Labcorp).